The following is an entry in ClinVar:

NM_182643.3(DLC1):c.755T>C (p.Val252Ala)

Gene: DLC1 (DLC1 Rho GTPase activating protein; minus strand). Cytogenetic location: 8p22.
Variant type: single nucleotide variant.
Coding change: c.755T>C on transcript NM_182643.3 (MANE Select); coding-DNA position 755, T replaced by C.
Protein change: p.Val252Ala; replaces valine 252 with alanine.
Molecular consequence: missense variant. On other transcripts: 5 prime UTR variant (1).
Genome position (GRCh38, 1-based): chr8:13,499,317, A>G on the plus strand (T>C on the coding strand, the complement: DLC1 is on the minus strand). VCF-style: chr8-13499317-A-G. GRCh37 (hg19) VCF-style: chr8-13356826-A-G.
Other names: c.755T>C, p.Val252Ala (NM_001348081.2, NM_001413124.1, NM_001413125.1 and 1 more transcripts); c.-697T>C (NM_001348082.2); short protein forms V252A.
Identifiers: ClinVar variation 3715589 (VCV003715589.2).
Genomic context (GRCh38, chr8:13,499,317, plus strand): 5'-GTTTTTAATAATGGCAGTCCTCTGTTTGTGCAAGGAGTATCCAAGAACTCATTTTGTACT[A>G]CATTGCAGGTGCTTCTTTCATTTTCATCTTTAGGGGGGTCAGGTTTCCTTCGTTGCTGAG-3'
Protein context (NP_872584.2, residues 242-262): KDENERSTCN[Val252Ala]VQNEFLDTPC

ClinVar aggregate classification (germline): Uncertain significance (1 of 4 stars; one submission).

gnomAD v4.1: 1 of 1,614,086 alleles (0.000062%); highest among the groups gnomAD compares: African/African-American, 0.0013%; no homozygotes.

Submission:

Labcorp Genetics (formerly Invitae), Labcorp
Classification: Uncertain significance. Last evaluated: 2025-02-03. Review status: criteria provided, single submitter. Criteria: Invitae Variant Classification Sherloc (09022015). Collection method: clinical testing. Allele origin: germline.
Comment: This sequence change replaces valine, which is neutral and non-polar, with alanine, which is neutral and non-polar, at codon 252 of the DLC1 protein (p.Val252Ala). This variant is not present in population databases (gnomAD no frequency). This variant has not been reported in the literature in individuals affected with DLC1-related conditions. An algorithm developed to predict the effect of missense changes on protein structure and function outputs the following: PolyPhen-2: "Benign". The alanine amino acid residue is found in multiple mammalian species, which suggests that this missense change does not adversely affect protein function. In summary, the available evidence is currently insufficient to determine the role of this variant in disease. Therefore, it has been classified as a Variant of Uncertain Significance.